The following is an entry in ClinVar:

NM_000059.4(BRCA2):c.1131G>C (p.Glu377Asp)

Gene: BRCA2 (BRCA2 DNA repair associated; plus strand). Cytogenetic location: 13q13.1.
Variant type: single nucleotide variant.
Coding change: c.1131G>C on transcript NM_000059.4 (MANE Select); coding-DNA position 1131, G replaced by C.
Protein change: p.Glu377Asp; replaces glutamic acid 377 with aspartic acid.
Molecular consequence: missense variant.
Genome position (GRCh38, 1-based): chr13:32,332,609, G>C. VCF-style: chr13-32332609-G-C. GRCh37 (hg19) VCF-style: chr13-32906746-G-C.
Other names: short protein forms E377D.
Identifiers: ClinVar variation 186628 (VCV000186628.24), dbSNP rs777845659, ClinGen allele CA010906.

ClinVar aggregate classification (germline): Conflicting classifications of pathogenicity. Review status: criteria provided, conflicting classifications (1 of 4 stars). 8 submissions from 8 submitters: Uncertain significance (7); Likely benign (1). Last evaluated 2025-10-13.

Conditions:
BRCA2-related cancer predisposition. Identifiers: MedGen CN377758, MONDO:0700269.
Hereditary cancer-predisposing syndrome. Also called: Neoplastic Syndromes, Hereditary; Tumor predisposition; Hereditary Cancer Syndrome; Hereditary neoplastic syndrome. Identifiers: Orphanet 140162, MedGen C0027672, MeSH D009386, MONDO:0015356.
Hereditary breast ovarian cancer syndrome. Also called: Hereditary breast and ovarian cancer; Hereditary breast and/or ovarian cancer syndrome; BRCA1- and BRCA2-Associated Hereditary Breast and Ovarian Cancer; Hereditary breast and ovarian cancer syndrome (HBOC); Hereditary breast and ovarian cancer syndrome; Breast and ovarian cancer. Identifiers: Orphanet 145, MedGen C0677776, MeSH D061325, MONDO:0003582. Disease mechanism: loss of function.

Allele frequency attached by ClinVar (database versions not stated): TOPMed below 0.00001; gnomAD exomes 0.00001; ExAC 0.00002.
gnomAD v4.1: 4 of 1,614,110 alleles (0.00025%); highest among the groups gnomAD compares: Admixed American, 0.0067%; no homozygotes.

Submissions (8):

Labcorp Genetics (formerly Invitae), Labcorp
Classification: Uncertain significance for Hereditary breast ovarian cancer syndrome. Last evaluated: 2025-10-13. Review status: criteria provided, single submitter. Criteria: Invitae Variant Classification Sherloc (09022015). Collection method: clinical testing. Allele origin: germline.
Comment: This sequence change replaces glutamic acid, which is acidic and polar, with aspartic acid, which is acidic and polar, at codon 377 of the BRCA2 protein (p.Glu377Asp). This variant is present in population databases (rs777845659, gnomAD 0.006%). This variant has not been reported in the literature in individuals affected with BRCA2-related conditions. ClinVar contains an entry for this variant (Variation ID: 186628). Invitae Evidence Modeling of protein sequence and biophysical properties (such as structural, functional, and spatial information, amino acid conservation, physicochemical variation, residue mobility, and thermodynamic stability) indicates that this missense variant is not expected to disrupt BRCA2 protein function with a negative predictive value of 95%. In summary, the available evidence is currently insufficient to determine the role of this variant in disease. Therefore, it has been classified as a Variant of Uncertain Significance.

All of Us Research Program, National Institutes of Health
Classification: Uncertain significance for BRCA2-related cancer predisposition. Last evaluated: 2024-07-29. Review status: criteria provided, single submitter. Criteria: ACMG Guidelines, 2015. Collection method: clinical testing. Allele origin: germline. Inheritance: Autosomal dominant inheritance. Observed: 1 variant allele, 1 heterozygote.
Comment: This missense variant replaces glutamic acid with aspartic acid at codon 377 of the BRCA2 protein. Computational prediction suggests that this variant may not impact protein structure and function. To our knowledge, functional studies have not been reported for this variant. This variant has not been reported in individuals affected with BRCA2-related disorders in the literature. This variant has been identified in 3/250196 chromosomes in the general population by the Genome Aggregation Database (gnomAD). The available evidence is insufficient to determine the role of this variant in disease conclusively. Therefore, this variant is classified as a Variant of Uncertain Significance.

This study involves interpretation of variants in research participants for the purpose of population health screening. Participant phenotype was not available at the time of variant classification. Additional details can be found in publication PMID: 35346344, PMCID: PMC8962531

Color Diagnostics, LLC DBA Color Health
Classification: Uncertain significance for Hereditary cancer-predisposing syndrome. Last evaluated: 2024-07-17. Review status: criteria provided, single submitter. Criteria: ACMG Guidelines, 2015. Collection method: clinical testing. Allele origin: germline.
Comment: This missense variant replaces glutamic acid with aspartic acid at codon 377 of the BRCA2 protein. Computational prediction suggests that this variant may not impact protein structure and function. To our knowledge, functional studies have not been reported for this variant. This variant has not been reported in individuals affected with BRCA2-related disorders in the literature. This variant has been identified in 3/250196 chromosomes in the general population by the Genome Aggregation Database (gnomAD). The available evidence is insufficient to determine the role of this variant in disease conclusively. Therefore, this variant is classified as a Variant of Uncertain Significance.

Ambry Genetics
Classification: Uncertain significance for Hereditary cancer-predisposing syndrome. Last evaluated: 2024-05-22. Review status: criteria provided, single submitter. Criteria: Ambry Variant Classification Scheme 2023. Collection method: clinical testing. Allele origin: germline.
Comment: The p.E377D variant (also known as c.1131G>C), located in coding exon 9 of the BRCA2 gene, results from a G to C substitution at nucleotide position 1131. The glutamic acid at codon 377 is replaced by aspartic acid, an amino acid with highly similar properties. This amino acid position is poorly conserved in available vertebrate species. In addition, this alteration is predicted to be tolerated by in silico analysis. Since supporting evidence is limited at this time, the clinical significance of this alteration remains unclear.

GeneDx
Classification: Uncertain significance. Last evaluated: 2023-10-26. Review status: criteria provided, single submitter. Criteria: GeneDx Variant Classification Process June 2021. Collection method: clinical testing. Allele origin: germline. Affected: yes.
Comment: Not observed at significant frequency in large population cohorts (gnomAD); In silico analysis supports that this missense variant does not alter protein structure/function; Has not been previously published as pathogenic or benign to our knowledge; Also known as 1359G>C; This variant is associated with the following publications: (PMID: 31911673)

University of Washington Department of Laboratory Medicine, University of Washington
Classification: Likely benign for Hereditary cancer-predisposing syndrome. Last evaluated: 2023-03-23. Review status: criteria provided, single submitter. Criteria: Dines et al. (Genet Med. 2020). Collection method: curation. Allele origin: germline.
Comment: Missense variant in a coldspot region where missense variants are very unlikely to be pathogenic (PMID:31911673).

BRCA2 exon 10 coldspot. Reclassification based on statistical prior probability.

Women's Health and Genetics/Laboratory Corporation of America, LabCorp
Classification: Uncertain significance. Last evaluated: 2021-04-25. Review status: criteria provided, single submitter. Criteria: LabCorp Variant Classification Summary - May 2015. Collection method: clinical testing. Allele origin: germline.
Comment: Variant summary: BRCA2 c.1131G>C (p.Glu377Asp) results in a conservative amino acid change in the encoded protein sequence. Five of five in-silico tools predict a benign effect of the variant on protein function. The variant allele was found at a frequency of 1.2e-05 in 250196 control chromosomes. The available data on variant occurrences in the general population are insufficient to allow any conclusion about variant significance. To our knowledge, no occurrence of c.1131G>C in individuals affected with Hereditary Breast And Ovarian Cancer Syndrome and no experimental evidence demonstrating its impact on protein function have been reported. Three clinical diagnostic laboratories have submitted clinical-significance assessments for this variant to ClinVar after 2014 without evidence for independent evaluation. All laboratories classified the variant as uncertain significance. Based on the evidence outlined above, the variant was classified as uncertain significance.

Quest Diagnostics Nichols Institute San Juan Capistrano
Classification: Uncertain significance. Last evaluated: 2018-01-05. Review status: criteria provided, single submitter. Criteria: Quest Diagnostics criteria. Collection method: clinical testing. Allele origin: germline.